The following is an entry in ClinVar:

ClinVar aggregate classification (germline): Uncertain significance (1 of 4 stars; one submission).

Conditions:
CHARGE syndrome (CHARGE). Also called: Hittner Hirsch Kreh syndrome; CHARGE ASSOCIATION--COLOBOMA, HEART ANOMALY, CHOANAL ATRESIA, RETARDATION, GENITAL AND EAR ANOMALIES; Coloboma, heart anomaly, choanal atresia, retardation, genital and ear anomalies; CHARGE association; Hall-Hittner syndrome. Identifiers: Orphanet 138, MedGen C0265354, MONDO:0008965.

Allele frequency attached by ClinVar (database versions not stated): gnomAD exomes below 0.00001.
gnomAD v4.1: 2 of 1,610,782 alleles (0.00012%); highest among the groups gnomAD compares: African/African-American, 0.0013%; no homozygotes.

Submission:

Labcorp Genetics (formerly Invitae), Labcorp
Classification: Uncertain significance for CHARGE syndrome. Last evaluated: 2025-05-12. Review status: criteria provided, single submitter. Criteria: Invitae Variant Classification Sherloc (09022015). Collection method: clinical testing. Allele origin: germline.
Comment: This sequence change replaces threonine, which is neutral and polar, with isoleucine, which is neutral and non-polar, at codon 669 of the SEMA3E protein (p.Thr669Ile). This variant is present in population databases (no rsID available, gnomAD 0.007%). This variant has not been reported in the literature in individuals affected with SEMA3E-related conditions. ClinVar contains an entry for this variant (Variation ID: 1913589). Invitae Evidence Modeling of protein sequence and biophysical properties (such as structural, functional, and spatial information, amino acid conservation, physicochemical variation, residue mobility, and thermodynamic stability) indicates that this missense variant is not expected to disrupt SEMA3E protein function with a negative predictive value of 80%. In summary, the available evidence is currently insufficient to determine the role of this variant in disease. Therefore, it has been classified as a Variant of Uncertain Significance.

NM_012431.3(SEMA3E):c.2006C>T (p.Thr669Ile)

Gene: SEMA3E (semaphorin 3E; minus strand). Cytogenetic location: 7q21.11.
Variant type: single nucleotide variant.
Coding change: c.2006C>T on transcript NM_012431.3 (MANE Select); coding-DNA position 2006, C replaced by T.
Protein change: p.Thr669Ile; replaces threonine 669 with isoleucine.
Molecular consequence: missense variant.
Genome position (GRCh38, 1-based): chr7:83,367,908, G>A on the plus strand (C>T on the coding strand, the complement: SEMA3E is on the minus strand). VCF-style: chr7-83367908-G-A. GRCh37 (hg19) VCF-style: chr7-82997224-G-A.
Other names: c.1826C>T, p.Thr609Ile (NM_001178129.2); short protein forms T609I, T669I.
Identifiers: ClinVar variation 1913589 (VCV001913589.5), dbSNP rs1481794416, ClinGen allele CA367914173.